The following is an entry in ClinVar:

ClinVar aggregate classification (germline): Benign/Likely benign. Review status: criteria provided, multiple submitters, no conflicts (2 of 4 stars). 7 submissions from 7 submitters: Benign (5); Likely benign (2). Last evaluated 2026-01-26.

Conditions:
PCDH19-related disorder. Also called: PCDH19-related condition.
Inborn genetic diseases. Identifiers: MedGen C0950123, MeSH D030342.
Developmental and epileptic encephalopathy, 9 (DEE9). Also called: JUBERG-HELLMAN SYNDROME; PCDH19-Related X-Linked Female-Limited Epilepsy with Mental Retardation; Early infantile epileptic encephalopathy 9; EPILEPSY, FEMALE-RESTRICTED, WITH MENTAL RETARDATION. Identifiers: Orphanet 101039, Orphanet 2076, MedGen C1848137, MONDO:0010246, OMIM 300088. Disease mechanism: loss of function.

Allele frequency attached by ClinVar (database versions not stated): gnomAD exomes 0.00049 and 0.00114; gnomAD 0.00059 and 0.00038; TOPMed 0.00076; ExAC 0.00110; 1000 Genomes Project 30x 0.00416; 1000 Genomes Project 0.00503.
gnomAD v4.1: 663 of 1,208,819 alleles (0.055%); highest among the groups gnomAD compares: East Asian, 1.6%; 7 homozygotes.

Submissions (7):

Labcorp Genetics (formerly Invitae), Labcorp
Classification: Benign for Developmental and epileptic encephalopathy, 9. Last evaluated: 2026-01-26. Review status: criteria provided, single submitter. Criteria: Invitae Variant Classification Sherloc (09022015). Collection method: clinical testing. Allele origin: germline.

PreventionGenetics, part of Exact Sciences
Classification: Benign for PCDH19-related condition. Last evaluated: 2024-11-18. Review status: criteria provided, single submitter. Criteria: ACMG Guidelines, 2015. Collection method: clinical testing. Allele origin: germline.
Comment: This variant is classified as benign based on ACMG/AMP sequence variant interpretation guidelines (Richards et al. 2015 PMID: 25741868, with internal and published modifications).

Blueprint Genetics
Classification: Likely benign. Last evaluated: 2024-10-10. Review status: criteria provided, single submitter. Criteria: ACMG Guidelines, 2015. Collection method: clinical testing. Allele origin: germline.

Ambry Genetics
Classification: Benign for Inborn genetic diseases. Last evaluated: 2016-03-04. Review status: criteria provided, single submitter. Criteria: Ambry Variant Classification Scheme 2023. Collection method: clinical testing. Allele origin: germline.

Eurofins Ntd Llc (ga)
Classification: Benign. Last evaluated: 2016-02-12. Review status: criteria provided, single submitter. Criteria: EGL Classification Definitions 2015. Collection method: clinical testing. Allele origin: germline. Observed: 1 variant allele, 1 homozygote.

Genetic Services Laboratory, University of Chicago
Classification: Likely benign. Last evaluated: 2014-01-23. Review status: criteria provided, single submitter. Criteria: ACMG Guidelines, 2007. Collection method: clinical testing. Allele origin: germline. Inheritance: X-linked inheritance.
Comment: Likely benign based on allele frequency in 1000 Genomes Project or ESP global frequency and its presence in a patient with a rare or unrelated disease phenotype. NOT Sanger confirmed

GeneDx
Classification: Benign. Last evaluated: 2013-08-02. Review status: criteria provided, single submitter. Criteria: GeneDx Variant Classification (06012015). Collection method: clinical testing. Allele origin: germline. Affected: yes.
Comment: This variant is considered likely benign or benign based on one or more of the following criteria: it is a conservative change, it occurs at a poorly conserved position in the protein, it is predicted to be benign by multiple in silico algorithms, and/or has population frequency not consistent with disease.

NM_001184880.2(PCDH19):c.531G>A (p.Glu177=)

Gene: PCDH19 (protocadherin 19; minus strand). Cytogenetic location: Xq22.1.
Variant type: single nucleotide variant.
Coding change: c.531G>A on transcript NM_001184880.2 (MANE Select); coding-DNA position 531, G replaced by A.
Protein change: p.Glu177=; no amino-acid change (glutamic acid 177 retained).
Molecular consequence: synonymous variant.
Genome position (GRCh38, 1-based): chrX:100,408,067, C>T on the plus strand (G>A on the coding strand, the complement: PCDH19 is on the minus strand). VCF-style: chrX-100408067-C-T. GRCh37 (hg19) VCF-style: chrX-99663065-C-T.
Other names: p.E177E:GAG>GAA; c.531G>A, p.Glu177= (NM_001105243.2, NM_020766.3).
Identifiers: ClinVar variation 138596 (VCV000138596.27), dbSNP rs192122222, ClinGen allele CA295138.